The following is an entry in ClinVar:

NM_005732.4(RAD50):c.2163A>T (p.Lys721Asn)

Gene: RAD50 (RAD50 double strand break repair protein; plus strand). Cytogenetic location: 5q31.1.
Variant type: single nucleotide variant.
Coding change: c.2163A>T on transcript NM_005732.4 (MANE Select); coding-DNA position 2163, A replaced by T.
Protein change: p.Lys721Asn; replaces lysine 721 with asparagine.
Molecular consequence: missense variant.
Genome position (GRCh38, 1-based): chr5:132,595,766, A>T. VCF-style: chr5-132595766-A-T. GRCh37 (hg19) VCF-style: chr5-131931458-A-T.
Other names: short protein forms K721N.
Identifiers: ClinVar variation 4677869 (VCV004677869.1).

ClinVar aggregate classification (germline): Uncertain significance (1 of 4 stars; one submission).

Conditions:
Hereditary cancer-predisposing syndrome. Also called: Neoplastic Syndromes, Hereditary; Tumor predisposition; Hereditary Cancer Syndrome; Hereditary neoplastic syndrome. Identifiers: Orphanet 140162, MedGen C0027672, MeSH D009386, MONDO:0015356.

Submission:

Ambry Genetics
Classification: Uncertain significance for Hereditary cancer-predisposing syndrome. Last evaluated: 2025-10-02. Review status: criteria provided, single submitter. Criteria: Ambry Variant Classification Scheme 2023. Collection method: clinical testing. Allele origin: germline.
Comment: The p.K721N variant (also known as c.2163A>T), located in coding exon 13 of the RAD50 gene, results from an A to T substitution at nucleotide position 2163. The lysine at codon 721 is replaced by asparagine, an amino acid with similar properties. This amino acid position is conserved. In addition, this alteration is predicted to be tolerated by in silico analysis. Based on the available evidence, the clinical significance of this variant remains unclear.